The following is an entry in ClinVar:

NM_000059.4(BRCA2):c.6241_6373dup (p.Thr2125delinsArgGlyIleTer)

Gene: BRCA2 (BRCA2 DNA repair associated; plus strand). Cytogenetic location: 13q13.1.
Variant type: Duplication.
Coding change: c.6241_6373dup on transcript NM_000059.4 (MANE Select); coding-DNA positions 6241 to 6373, 133 bases duplicated.
Protein change: p.Thr2125delinsArgGlyIleTer.
Molecular consequence: nonsense. On other transcripts: non-coding transcript variant (1), intron variant (2).
Genome position (GRCh38, 1-based): chr13:32,340,596-32,340,728, 133 bases duplicated. GRCh37 (hg19): chr13:32,914,733-32,914,865.
Other names: c.6241_6373dup, p.Thr2125delinsArgGlyIleTer (NM_001406719.1, NM_001406720.1, NM_001432077.1); c.1910-3962_1910-3830dup (NM_001406721.1); c.425-3962_425-3830dup (NM_001406722.1).
Identifiers: ClinVar variation 4714249 (VCV004714249.1).

ClinVar aggregate classification (germline): Pathogenic (1 of 4 stars; one submission).

Conditions:
Hereditary breast ovarian cancer syndrome. Also called: BRCA1- and BRCA2-Associated Hereditary Breast and Ovarian Cancer; Breast and ovarian cancer; Hereditary breast and ovarian cancer syndrome; Hereditary breast and ovarian cancer syndrome (HBOC); Hereditary breast and/or ovarian cancer syndrome; Hereditary breast and ovarian cancer. Identifiers: Orphanet 145, MedGen C0677776, MeSH D061325, MONDO:0003582. Disease mechanism: loss of function.

Submission:

Labcorp Genetics (formerly Invitae), Labcorp
Classification: Pathogenic for Hereditary breast ovarian cancer syndrome. Last evaluated: 2025-06-08. Review status: criteria provided, single submitter. Criteria: Invitae Variant Classification Sherloc (09022015). Collection method: clinical testing. Allele origin: germline.
Comment: This sequence change creates a premature translational stop signal (p.Thr2125Argfs*4) in the BRCA2 gene. It is expected to result in an absent or disrupted protein product. Loss-of-function variants in BRCA2 are known to be pathogenic (PMID: 20104584). This variant is not present in population databases (gnomAD no frequency). This variant has not been reported in the literature in individuals affected with BRCA2-related conditions. For these reasons, this variant has been classified as Pathogenic.

Literature cited by the submitters: PubMed 20104584.